The following is an entry in ClinVar:

ClinVar aggregate classification (germline): Uncertain significance (1 of 4 stars; one submission).

Allele frequency attached by ClinVar (database versions not stated): TOPMed below 0.00001.

Submission:

Labcorp Genetics (formerly Invitae), Labcorp
Classification: Uncertain significance. Last evaluated: 2022-03-26. Review status: criteria provided, single submitter. Criteria: Invitae Variant Classification Sherloc (09022015). Collection method: clinical testing. Allele origin: germline.
Comment: In summary, the available evidence is currently insufficient to determine the role of this variant in disease. Therefore, it has been classified as a Variant of Uncertain Significance. Algorithms developed to predict the effect of sequence changes on RNA splicing suggest that this variant may disrupt the consensus splice site. This variant has not been reported in the literature in individuals affected with FH-related conditions. This variant is not present in population databases (gnomAD no frequency). This sequence change affects codon 415 of the FH mRNA. It is a 'silent' change, meaning that it does not change the encoded amino acid sequence of the FH protein.

NM_000143.4(FH):c.1245T>C (p.Asn415=)

Gene: FH (fumarate hydratase; minus strand). Cytogenetic location: 1q43.
Variant type: single nucleotide variant.
Coding change: c.1245T>C on transcript NM_000143.4 (MANE Select); coding-DNA position 1245, T replaced by C.
Protein change: p.Asn415=; no amino-acid change (asparagine 415 retained).
Molecular consequence: synonymous variant.
Genome position (GRCh38, 1-based): chr1:241,500,582, A>G on the plus strand (T>C on the coding strand, the complement: FH is on the minus strand). VCF-style: chr1-241500582-A-G. GRCh37 (hg19) VCF-style: chr1-241663882-A-G.
Identifiers: ClinVar variation 2117786 (VCV002117786.4), dbSNP rs1659748763, ClinGen allele CA424075546.